The following is an entry in ClinVar:

ClinVar aggregate classification (germline): Uncertain significance (1 of 4 stars; one submission).

Conditions:
Tumor predisposition syndrome 3 (TPDS3). Also called: Melanoma, cutaneous malignant, susceptibility to, 10; LONG TELOMERE SYNDROME, POT1-RELATED; POT1 Tumor Predisposition; Glioma susceptibility 9. Identifiers: Orphanet 618, MedGen C4014476, MONDO:0014368, OMIM 615848.

Submission:

Labcorp Genetics (formerly Invitae), Labcorp
Classification: Uncertain significance for Tumor predisposition syndrome 3. Last evaluated: 2020-11-26. Review status: criteria provided, single submitter. Criteria: Invitae Variant Classification Sherloc (09022015). Collection method: clinical testing. Allele origin: germline.
Comment: This sequence change replaces aspartic acid with glutamic acid at codon 520 of the POT1 protein (p.Asp520Glu). The aspartic acid residue is weakly conserved and there is a small physicochemical difference between aspartic acid and glutamic acid. In summary, the available evidence is currently insufficient to determine the role of this variant in disease. Therefore, it has been classified as a Variant of Uncertain Significance. Algorithms developed to predict the effect of missense changes on protein structure and function (SIFT, PolyPhen-2, Align-GVGD) all suggest that this variant is likely to be tolerated, but these predictions have not been confirmed by published functional studies and their clinical significance is uncertain. This variant has not been reported in the literature in individuals with POT1-related conditions. This variant is not present in population databases (ExAC no frequency).

NM_015450.3(POT1):c.1560T>G (p.Asp520Glu)

Gene: POT1 (protection of telomeres 1; minus strand). Cytogenetic location: 7q31.33.
Variant type: single nucleotide variant.
Coding change: c.1560T>G on transcript NM_015450.3 (MANE Select); coding-DNA position 1560, T replaced by G.
Protein change: p.Asp520Glu; replaces aspartic acid 520 with glutamic acid.
Molecular consequence: missense variant. On other transcripts: non-coding transcript variant (2).
Genome position (GRCh38, 1-based): chr7:124,829,288, A>C on the plus strand (T>G on the coding strand, the complement: POT1 is on the minus strand). VCF-style: chr7-124829288-A-C. GRCh37 (hg19) VCF-style: chr7-124469342-A-C.
Other names: c.1167T>G, p.Asp389Glu (NM_001042594.2); short protein forms D389E, D520E.
Identifiers: ClinVar variation 1489127 (VCV001489127.8), dbSNP rs2116422078, ClinGen allele CA369064452.